The following is an entry in ClinVar:

NM_006312.6(NCOR2):c.4055G>A (p.Arg1352His)

Gene: NCOR2 (nuclear receptor corepressor 2; minus strand). Cytogenetic location: 12q24.31.
Variant type: single nucleotide variant.
Coding change: c.4055G>A on transcript NM_006312.6 (MANE Select); coding-DNA position 4055, G replaced by A.
Protein change: p.Arg1352His; replaces arginine 1352 with histidine.
Molecular consequence: missense variant.
Genome position (GRCh38, 1-based): chr12:124,347,842, C>T on the plus strand (G>A on the coding strand, the complement: NCOR2 is on the minus strand). VCF-style: chr12-124347842-C-T. GRCh37 (hg19) VCF-style: chr12-124832388-C-T.
Other names: c.4025G>A, p.Arg1342His (NM_001077261.4, NM_001206654.2); c.4055G>A (NM_006312.5); short protein forms R1342H, R1352H.
Identifiers: ClinVar variation 2643558 (VCV002643558.25), dbSNP rs36081651, ClinGen allele CA6868387.

ClinVar aggregate classification (germline): Likely benign. Review status: criteria provided, single submitter (1 of 4 stars). 2 submissions from 2 submitters: Likely benign (1). 1 of the submissions does not count toward it. Last evaluated 2025-11-01.

Conditions:
NCOR2-related disorder. Also called: NCOR2-related condition.

Allele frequency attached by ClinVar (database versions not stated): 1000 Genomes Project 0.00240; 1000 Genomes Project 30x 0.00312; gnomAD 0.00502; ESP Exome Variant Server 0.00544; gnomAD exomes 0.00711; ExAC 0.00905.
gnomAD v4.1: 10,705 of 1,566,400 alleles (0.68%); highest among the groups gnomAD compares: Non-Finnish European, 0.82%; 61 homozygotes.

Submissions (2):

CeGaT Center for Human Genetics Tuebingen
Classification: Likely benign. Last evaluated: 2025-11-01. Review status: criteria provided, single submitter. Criteria: CeGaT Center For Human Genetics Tuebingen Variant Classification Criteria Version 2. Collection method: clinical testing. Allele origin: germline. Affected: yes. Observed: 2 variant alleles.
Comment: NCOR2: BS2

PreventionGenetics, part of Exact Sciences
Classification: Likely benign for NCOR2-related condition. Last evaluated: 2019-06-23. Review status: no assertion criteria provided. Collection method: clinical testing. Allele origin: germline. Not counted in ClinVar's aggregate classification.
Comment: This variant is classified as likely benign based on ACMG/AMP sequence variant interpretation guidelines (Richards et al. 2015 PMID: 25741868, with internal and published modifications).